The following is an entry in ClinVar:

ClinVar aggregate classification (germline): Uncertain significance (1 of 4 stars; one submission).

Conditions:
Alagille syndrome due to a JAG1 point mutation. Also called: HEPATIC DUCTULAR HYPOPLASIA, SYNDROMATIC; Alagille Syndrome 1; JAG1-Related Alagille Syndrome. Identifiers: Orphanet 261619, Orphanet 52, MedGen C1956125, MONDO:0016862, OMIM 118450.

gnomAD v4.1: 3 of 1,613,466 alleles (0.00019%); highest among the groups gnomAD compares: Non-Finnish European, 0.00025%; no homozygotes.

Submission:

Labcorp Genetics (formerly Invitae), Labcorp
Classification: Uncertain significance for Alagille syndrome due to a JAG1 point mutation. Last evaluated: 2025-06-09. Review status: criteria provided, single submitter. Criteria: Invitae Variant Classification Sherloc (09022015). Collection method: clinical testing. Allele origin: germline.
Comment: This sequence change replaces asparagine, which is neutral and polar, with serine, which is neutral and polar, at codon 687 of the JAG1 protein (p.Asn687Ser). This variant is not present in population databases (gnomAD no frequency). This variant has not been reported in the literature in individuals affected with JAG1-related conditions. Invitae Evidence Modeling of protein sequence and biophysical properties (such as structural, functional, and spatial information, amino acid conservation, physicochemical variation, residue mobility, and thermodynamic stability) indicates that this missense variant is not expected to disrupt JAG1 protein function with a negative predictive value of 80%. In summary, the available evidence is currently insufficient to determine the role of this variant in disease. Therefore, it has been classified as a Variant of Uncertain Significance.

NM_000214.3(JAG1):c.2060A>G (p.Asn687Ser)

Gene: JAG1 (jagged canonical Notch ligand 1; minus strand). Cytogenetic location: 20p12.2.
Variant type: single nucleotide variant.
Coding change: c.2060A>G on transcript NM_000214.3 (MANE Select); coding-DNA position 2060, A replaced by G.
Protein change: p.Asn687Ser; replaces asparagine 687 with serine.
Molecular consequence: missense variant.
Genome position (GRCh38, 1-based): chr20:10,645,409, T>C on the plus strand (A>G on the coding strand, the complement: JAG1 is on the minus strand). VCF-style: chr20-10645409-T-C. GRCh37 (hg19) VCF-style: chr20-10626057-T-C.
Other names: short protein forms N687S.
Identifiers: ClinVar variation 4776226 (VCV004776226.1).